The following is an entry in ClinVar:

NM_001291867.2(NHS):c.430C>T (p.Arg144Trp)

Gene: NHS (NHS actin remodeling regulator; plus strand). Cytogenetic location: Xp22.2.
Variant type: single nucleotide variant.
Coding change: c.430C>T on transcript NM_001291867.2 (MANE Select); coding-DNA position 430, C replaced by T.
Protein change: p.Arg144Trp; replaces arginine 144 with tryptophan.
Molecular consequence: missense variant.
Genome position (GRCh38, 1-based): chrX:17,376,187, C>T. VCF-style: chrX-17376187-C-T. GRCh37 (hg19) VCF-style: chrX-17394310-C-T.
Other names: c.430C>T, p.Arg144Trp (NM_198270.4); short protein forms R144W.
Identifiers: ClinVar variation 3686946 (VCV003686946.2).

ClinVar aggregate classification (germline): Uncertain significance (1 of 4 stars; one submission).

Conditions:
Nance-Horan syndrome (NHS). Identifiers: Orphanet 627, MedGen C0796085, MONDO:0010545, OMIM 302350.

gnomAD v4.1: 1 of 1,190,666 alleles (0.000084%); highest among the groups gnomAD compares: Non-Finnish European, 0.00011%; no homozygotes.

Submission:

Labcorp Genetics (formerly Invitae), Labcorp
Classification: Uncertain significance for Nance-Horan syndrome. Last evaluated: 2024-04-16. Review status: criteria provided, single submitter. Criteria: Invitae Variant Classification Sherloc (09022015). Collection method: clinical testing. Allele origin: germline.
Comment: This sequence change replaces arginine, which is basic and polar, with tryptophan, which is neutral and slightly polar, at codon 144 of the NHS protein (p.Arg144Trp). This variant is not present in population databases (gnomAD no frequency). This variant has not been reported in the literature in individuals affected with NHS-related conditions. An algorithm developed to predict the effect of missense changes on protein structure and function (PolyPhen-2) suggests that this variant is likely to be disruptive. In summary, the available evidence is currently insufficient to determine the role of this variant in disease. Therefore, it has been classified as a Variant of Uncertain Significance.